The following is an entry in ClinVar:

ClinVar aggregate classification (germline): Uncertain significance. Review status: criteria provided, single submitter (1 of 4 stars). 2 submissions from 2 submitters: Uncertain significance (1). 1 of the submissions does not count toward it. Last evaluated 2022-08-09.

Conditions:
RELN-related disorder. Also called: RELN-related condition.
Norman-Roberts syndrome (LIS2). Also called: Lissencephaly 2 (Norman-Roberts type). Identifiers: Orphanet 89844, MedGen C0796089, MONDO:0009760, OMIM 257320.
Familial temporal lobe epilepsy 7. Identifiers: Orphanet 101046, MedGen C4225327, MONDO:0014639, OMIM 616436.

gnomAD v4.1: 1 of 1,614,174 alleles (0.000062%); highest among the groups gnomAD compares: Non-Finnish European, 0.000085%; no homozygotes.

Submissions (2):

Labcorp Genetics (formerly Invitae), Labcorp
Classification: Uncertain significance for Familial temporal lobe epilepsy 7; Norman-Roberts syndrome. Last evaluated: 2022-08-09. Review status: criteria provided, single submitter. Criteria: Invitae Variant Classification Sherloc (09022015). Collection method: clinical testing. Allele origin: germline.
Comment: This variant has not been reported in the literature in individuals affected with RELN-related conditions. In summary, the available evidence is currently insufficient to determine the role of this variant in disease. Therefore, it has been classified as a Variant of Uncertain Significance. Algorithms developed to predict the effect of missense changes on protein structure and function are either unavailable or do not agree on the potential impact of this missense change (SIFT: "Tolerated"; PolyPhen-2: "Probably Damaging"; Align-GVGD: "Class C0"). ClinVar contains an entry for this variant (Variation ID: 945794). This variant is not present in population databases (gnomAD no frequency). This sequence change replaces alanine, which is neutral and non-polar, with threonine, which is neutral and polar, at codon 1493 of the RELN protein (p.Ala1493Thr).

PreventionGenetics, part of Exact Sciences
Classification: Uncertain significance for RELN-related condition. Last evaluated: 2024-09-09. Review status: no assertion criteria provided. Collection method: clinical testing. Allele origin: germline. Not counted in ClinVar's aggregate classification.
Comment: The RELN c.4477G>A variant is predicted to result in the amino acid substitution p.Ala1493Thr. To our knowledge, this variant has not been reported in the literature or in a large population database, indicating this variant is rare. At this time, the clinical significance of this variant is uncertain due to the absence of conclusive functional and genetic evidence.

NM_005045.4(RELN):c.4477G>A (p.Ala1493Thr)

Gene: RELN (reelin; minus strand). Cytogenetic location: 7q22.1.
Variant type: single nucleotide variant.
Coding change: c.4477G>A on transcript NM_005045.4 (MANE Select); coding-DNA position 4477, G replaced by A.
Protein change: p.Ala1493Thr; replaces alanine 1493 with threonine.
Molecular consequence: missense variant.
Genome position (GRCh38, 1-based): chr7:103,574,126, C>T on the plus strand (G>A on the coding strand, the complement: RELN is on the minus strand). VCF-style: chr7-103574126-C-T. GRCh37 (hg19) VCF-style: chr7-103214573-C-T.
Other names: c.4477G>A, p.Ala1493Thr (NM_173054.3); short protein forms A1493T.
Identifiers: ClinVar variation 945794 (VCV000945794.8), dbSNP rs1307056370, ClinGen allele CA368750300.